The following is an entry in ClinVar:

NM_003126.4(SPTA1):c.1833G>T (p.Lys611Asn)

Gene: SPTA1 (spectrin alpha, erythrocytic 1; minus strand). Cytogenetic location: 1q23.1.
Variant type: single nucleotide variant.
Coding change: c.1833G>T on transcript NM_003126.4 (MANE Select); coding-DNA position 1833, G replaced by T.
Protein change: p.Lys611Asn; replaces lysine 611 with asparagine.
Molecular consequence: missense variant.
Genome position (GRCh38, 1-based): chr1:158,669,408, C>A on the plus strand (G>T on the coding strand, the complement: SPTA1 is on the minus strand). VCF-style: chr1-158669408-C-A. GRCh37 (hg19) VCF-style: chr1-158639198-C-A.
Other names: short protein forms K611N.
Identifiers: ClinVar variation 3611222 (VCV003611222.3).

ClinVar aggregate classification (germline): Uncertain significance. Review status: criteria provided, multiple submitters, no conflicts (2 of 4 stars). 2 submissions from 2 submitters: Uncertain significance (2). Last evaluated 2024-08-28.

gnomAD v4.1: 2 of 1,614,068 alleles (0.00012%); no homozygotes.

Submissions (2):

Revvity Omics, Revvity
Classification: Uncertain significance. Last evaluated: 2024-08-28. Review status: criteria provided, single submitter. Criteria: ACMG Guidelines, 2015. Collection method: clinical testing. Allele origin: germline.

Labcorp Genetics (formerly Invitae), Labcorp
Classification: Uncertain significance. Last evaluated: 2024-07-30. Review status: criteria provided, single submitter. Criteria: Invitae Variant Classification Sherloc (09022015). Collection method: clinical testing. Allele origin: germline.
Comment: This sequence change replaces lysine, which is basic and polar, with asparagine, which is neutral and polar, at codon 611 of the SPTA1 protein (p.Lys611Asn). This variant also falls at the last nucleotide of exon 14, which is part of the consensus splice site for this exon. This variant is not present in population databases (gnomAD no frequency). This variant has not been reported in the literature in individuals affected with SPTA1-related conditions. An algorithm developed to predict the effect of missense changes on protein structure and function (PolyPhen-2) suggests that this variant is likely to be disruptive. Variants that disrupt the consensus splice site are a relatively common cause of aberrant splicing (PMID: 17576681, 9536098). In summary, the available evidence is currently insufficient to determine the role of this variant in disease. Therefore, it has been classified as a Variant of Uncertain Significance.

Literature cited by the submitters: PubMed 17576681 (cited by Labcorp Genetics (formerly Invitae), Labcorp); PubMed 9536098 (cited by Labcorp Genetics (formerly Invitae), Labcorp).